The following is an entry in ClinVar:

NM_004787.4(SLIT2):c.1697G>A (p.Ser566Asn)

Gene: SLIT2 (slit guidance ligand 2; plus strand). Cytogenetic location: 4p15.31.
Variant type: single nucleotide variant.
Coding change: c.1697G>A on transcript NM_004787.4 (MANE Select); coding-DNA position 1697, G replaced by A.
Protein change: p.Ser566Asn; replaces serine 566 with asparagine.
Molecular consequence: missense variant.
Genome position (GRCh38, 1-based): chr4:20,533,580, G>A. VCF-style: chr4-20533580-G-A. GRCh37 (hg19) VCF-style: chr4-20535203-G-A.
Other names: c.1685G>A, p.Ser562Asn (NM_001289135.3); c.1673G>A, p.Ser558Asn (NM_001289136.3); short protein forms S566N, S558N, S562N.
Identifiers: ClinVar variation 633691 (VCV000633691.6), dbSNP rs200151302, ClinGen allele CA2871590.
Genomic context (GRCh38, chr4:20,533,580, plus strand): 5'-CCCACCTTGTTAGAAATTATTTAAAACCTTTGTTCCAACAATTTTTATTTAGAAACTTTA[G>A]CAACAATAAGATCACAGATATTGAGGAGGGAGCATTTGAAGGAGCATCTGGTGTAAATGA-3'
Protein context (NP_004778.1, residues 556-576): KLPQLRKINF[Ser566Asn]NNKITDIEEG

ClinVar aggregate classification (germline): Uncertain significance. Review status: criteria provided, single submitter (1 of 4 stars). 3 submissions from 3 submitters: Uncertain significance (1). 2 of the submissions do not count toward it. Last evaluated 2025-11-23.

Conditions:
Congenital anomaly of kidney and urinary tract. Also called: Congenital anomalies of the kidney and urinary tract; Congenital anomalies of kidney and urinary tract. Identifiers: Orphanet 93545, MedGen C1968949, MeSH C566906, MONDO:0019719.

Allele frequency attached by ClinVar (database versions not stated): TOPMed 0.00005; gnomAD exomes 0.00007; ExAC 0.00008; gnomAD 0.00009.
gnomAD v4.1: 111 of 1,606,264 alleles (0.0069%); highest among the groups gnomAD compares: Non-Finnish European, 0.0091%; no homozygotes.

Submissions (3):

Labcorp Genetics (formerly Invitae), Labcorp
Classification: Uncertain significance. Last evaluated: 2025-11-23. Review status: criteria provided, single submitter. Criteria: Invitae Variant Classification Sherloc (09022015). Collection method: clinical testing. Allele origin: germline.
Comment: This sequence change replaces serine, which is neutral and polar, with asparagine, which is neutral and polar, at codon 566 of the SLIT2 protein (p.Ser566Asn). This variant is present in population databases (rs200151302, gnomAD 0.02%). This missense change has been observed in individual(s) with congenital anomalies of the kidney and urinary tract (PMID: 26026792). ClinVar contains an entry for this variant (Variation ID: 633691). An algorithm developed to predict the effect of missense changes on protein structure and function (PolyPhen-2) suggests that this variant is likely to be disruptive. Experimental studies have shown that this missense change affects SLIT2 function (PMID: 26026792). In summary, the available evidence is currently insufficient to determine the role of this variant in disease. Therefore, it has been classified as a Variant of Uncertain Significance.

Gharavi Laboratory, Columbia University
Classification: Uncertain significance. Last evaluated: 2018-09-16. Review status: no assertion criteria provided. Criteria: ACMG Guidelines, 2015. Collection method: research. Allele origin: germline. Affected: no. Not counted in ClinVar's aggregate classification.

Yale Center for Mendelian Genomics, Yale University
Classification: Pathogenic for Congenital anomalies of the kidney and urinary tract. Last evaluated: 2015-05-31. Review status: no assertion criteria provided. Collection method: literature only. Allele origin: de novo. Affected: yes. Observed: 1 heterozygote. Not counted in ClinVar's aggregate classification.

Literature cited by the submitters: PubMed 26026792 (cited by Labcorp Genetics (formerly Invitae), Labcorp and Yale Center for Mendelian Genomics, Yale University).